The following is an entry in ClinVar:

ClinVar aggregate classification (germline): Uncertain significance (1 of 4 stars; one submission).

gnomAD v4.1: 2 of 1,614,192 alleles (0.00012%); highest among the groups gnomAD compares: Admixed American, 0.0033%; no homozygotes.

Submission:

Labcorp Genetics (formerly Invitae), Labcorp
Classification: Uncertain significance. Last evaluated: 2023-05-01. Review status: criteria provided, single submitter. Criteria: Invitae Variant Classification Sherloc (09022015). Collection method: clinical testing. Allele origin: germline.
Comment: This sequence change replaces proline, which is neutral and non-polar, with glutamine, which is neutral and polar, at codon 875 of the NPAT protein (p.Pro875Gln). This variant is present in population databases (no rsID available, gnomAD 0.006%). This variant has not been reported in the literature in individuals affected with NPAT-related conditions. An algorithm developed to predict the effect of missense changes on protein structure and function (PolyPhen-2) suggests that this variant is likely to be disruptive. In summary, the available evidence is currently insufficient to determine the role of this variant in disease. Therefore, it has been classified as a Variant of Uncertain Significance.

NM_002519.3(NPAT):c.2624C>A (p.Pro875Gln)

Gene: NPAT (nuclear protein, coactivator of histone transcription; minus strand). Cytogenetic location: 11q22.3.
Variant type: single nucleotide variant.
Coding change: c.2624C>A on transcript NM_002519.3 (MANE Select); coding-DNA position 2624, C replaced by A.
Protein change: p.Pro875Gln; replaces proline 875 with glutamine.
Molecular consequence: missense variant.
Genome position (GRCh38, 1-based): chr11:108,172,360, G>T on the plus strand (C>A on the coding strand, the complement: NPAT is on the minus strand). VCF-style: chr11-108172360-G-T. GRCh37 (hg19) VCF-style: chr11-108043087-G-T.
Other names: c.2624C>A, p.Pro875Gln (NM_001321307.1); short protein forms P875Q.
Identifiers: ClinVar variation 2808830 (VCV002808830.3), dbSNP rs1463263518, ClinGen allele CA382512576.